The following is an entry in ClinVar:

ClinVar aggregate classification (germline): Uncertain significance (1 of 4 stars; one submission).

Submission:

GeneDx
Classification: Uncertain significance. Last evaluated: 2025-04-17. Review status: criteria provided, single submitter. Criteria: GeneDx Variant Classification Process June 2021. Collection method: clinical testing. Allele origin: germline. Affected: yes.
Comment: Not observed at significant frequency in large population cohorts (gnomAD); In silico analysis indicates that this missense variant does not alter protein structure/function; Has not been previously published as pathogenic or benign to our knowledge

NM_004991.4(MECOM):c.1885C>G (p.Leu629Val)

Gene: MECOM (MDS1 and EVI1 complex locus; minus strand). Cytogenetic location: 3q26.2.
Variant type: single nucleotide variant.
Coding change: c.1885C>G on transcript NM_004991.4 (MANE Select); coding-DNA position 1885, C replaced by G.
Protein change: p.Leu629Val; replaces leucine 629 with valine.
Molecular consequence: missense variant. On other transcripts: intron variant (2).
Genome position (GRCh38, 1-based): chr3:169,115,987, G>C on the plus strand (C>G on the coding strand, the complement: MECOM is on the minus strand). VCF-style: chr3-169115987-G-C. GRCh37 (hg19) VCF-style: chr3-168833775-G-C.
Other names: c.1885C>G, p.Leu629Val (NM_001366466.2); c.1324C>G, p.Leu442Val (NM_001366467.2, NM_001366468.2, NM_001366470.2 and 1 more transcripts); c.1321C>G, p.Leu441Val (NM_001366469.2, NM_001366471.2, NM_001366472.2 and 4 more transcripts); c.1133-220C>G (NM_001366473.2); c.569-220C>G (NM_001366474.2); c.1516C>G, p.Leu506Val (NM_001105077.4); short protein forms L441V, L442V, L506V, L629V.
Identifiers: ClinVar variation 4282277 (VCV004282277.1).